The following is an entry in ClinVar:

NM_173689.7(CRB2):c.3215G>A (p.Arg1072His)

Gene: CRB2 (crumbs cell polarity complex component 2; plus strand). Cytogenetic location: 9q33.3.
Variant type: single nucleotide variant.
Coding change: c.3215G>A on transcript NM_173689.7 (MANE Select); coding-DNA position 3215, G replaced by A.
Protein change: p.Arg1072His; replaces arginine 1072 with histidine.
Molecular consequence: missense variant. On other transcripts: non-coding transcript variant (1).
Genome position (GRCh38, 1-based): chr9:123,373,746, G>A. VCF-style: chr9-123373746-G-A. GRCh37 (hg19) VCF-style: chr9-126136025-G-A.
Other names: short protein forms R1072H.
Identifiers: ClinVar variation 3902390 (VCV003902390.1).

ClinVar aggregate classification (germline): Uncertain significance (1 of 4 stars; one submission).

gnomAD v4.1: 27 of 1,588,214 alleles (0.0017%); highest among the groups gnomAD compares: Non-Finnish European, 0.0023%; no homozygotes.

Submission:

Women's Health and Genetics/Laboratory Corporation of America, LabCorp
Classification: Uncertain significance. Last evaluated: 2025-05-08. Review status: criteria provided, single submitter. Criteria: LabCorp Variant Classification Summary - May 2015. Collection method: clinical testing. Allele origin: germline.
Comment: Variant summary: CRB2 c.3215G>A (p.Arg1072His) results in a non-conservative amino acid change in the encoded protein sequence. Algorithms developed to predict the effect of missense changes on protein structure and function are either unavailable or do not agree on the potential impact of this missense change. The variant was absent in 209222 control chromosomes. The available data on variant occurrences in the general population are insufficient to allow any conclusion about variant significance. To our knowledge, no occurrence of c.3215G>A in individuals affected with Focal Segmental Glomerulosclerosis 9 and no experimental evidence demonstrating its impact on protein function have been reported. No submitters have cited clinical-significance assessments for this variant to ClinVar. Based on the evidence outlined above, the variant was classified as uncertain significance.